The following is an entry in ClinVar:

ClinVar aggregate classification (germline): Likely benign. Review status: criteria provided, multiple submitters, no conflicts (2 of 4 stars). 2 submissions from 2 submitters: Likely benign (2). Last evaluated 2026-01-20.

Conditions:
USH2A-related disorder. Also called: USH2A-related condition; USH2A-related disorders. Identifiers: MedGen CN239332.

Allele frequency attached by ClinVar (database versions not stated): TOPMed 0.00001; ExAC 0.00002; gnomAD 0.00002; gnomAD exomes 0.00002 and 0.00005.
gnomAD v4.1: 68 of 1,613,580 alleles (0.0042%); highest among the groups gnomAD compares: Non-Finnish European, 0.0057%; no homozygotes.

Submissions (2):

Labcorp Genetics (formerly Invitae), Labcorp
Classification: Likely benign. Last evaluated: 2026-01-20. Review status: criteria provided, single submitter. Criteria: Invitae Variant Classification Sherloc (09022015). Collection method: clinical testing. Allele origin: germline.

PreventionGenetics, part of Exact Sciences
Classification: Likely benign for USH2A-related condition. Last evaluated: 2025-12-22. Review status: criteria provided, single submitter. Criteria: ACMG Guidelines, 2015. Collection method: clinical testing. Allele origin: germline.
Comment: This variant is classified as likely benign based on ACMG/AMP sequence variant interpretation guidelines (Richards et al. 2015 PMID: 25741868, with internal and published modifications).

NM_206933.4(USH2A):c.6390C>T (p.Asn2130=)

Gene: USH2A (usherin; minus strand). Cytogenetic location: 1q41.
Variant type: single nucleotide variant.
Coding change: c.6390C>T on transcript NM_206933.4 (MANE Select); coding-DNA position 6390, C replaced by T.
Protein change: p.Asn2130=; no amino-acid change (asparagine 2130 retained).
Molecular consequence: synonymous variant.
Genome position (GRCh38, 1-based): chr1:216,000,498, G>A on the plus strand (C>T on the coding strand, the complement: USH2A is on the minus strand). VCF-style: chr1-216000498-G-A. GRCh37 (hg19) VCF-style: chr1-216173840-G-A.
Other names: c.6390C>T (NM_206933.2).
Identifiers: ClinVar variation 1097802 (VCV001097802.10), dbSNP rs745584142, ClinGen allele CA1395153.